The following is an entry in ClinVar:

NM_000263.4(NAGLU):c.277C>A (p.Leu93Met)

Genes: NAGLU (N-acetyl-alpha-glucosaminidase; plus strand), LOC130060903 (ATAC-STARR-seq lymphoblastoid silent region 8533; plus strand). Cytogenetic location: 17q21.2.
Variant type: single nucleotide variant.
Coding change: c.277C>A on transcript NM_000263.4 (MANE Select); coding-DNA position 277, C replaced by A.
Protein change: p.Leu93Met; replaces leucine 93 with methionine.
Molecular consequence: missense variant.
Genome position (GRCh38, 1-based): chr17:42,536,549, C>A. VCF-style: chr17-42536549-C-A. GRCh37 (hg19) VCF-style: chr17-40688567-C-A.
Other names: short protein forms L93M.
Identifiers: ClinVar variation 1052727 (VCV001052727.9), dbSNP rs1285791183, ClinGen allele CA399595913.
Genomic context (GRCh38, chr17:42,536,549, plus strand): 5'-GCGCGCGTGCGGGTGCGCGGCTCCACGGGCGTGGCGGCCGCCGCGGGGCTGCACCGCTAC[C>A]TGCGCGACTTCTGTGGCTGCCACGTGGCCTGGTCCGGCTCTCAGCTGCGCCTGCCGCGGC-3'
Protein context (NP_000254.2, residues 83-103): VAAAAGLHRY[Leu93Met]RDFCGCHVAW

ClinVar aggregate classification (germline): Uncertain significance (1 of 4 stars; one submission).

Conditions:
Mucopolysaccharidosis, MPS-III-B (MPS3B). Also called: MPS IIIB (Sanfilippo Syndrome Type B); MUCOPOLYSACCHARIDOSIS, TYPE IIIB; Mucopolysaccharidosis type IIIB (Sanfilippo B); N-ACETYL-ALPHA-D-GLUCOSAMINIDASE DEFICIENCY; NAGLU DEFICIENCY; SANFILIPPO SYNDROME B. Identifiers: Orphanet 79270, MedGen C0086648, MONDO:0009656, OMIM 252920.
Charcot-Marie-Tooth disease axonal type 2V. Also called: CHARCOT-MARIE-TOOTH NEUROPATHY, TYPE 2V; CHARCOT-MARIE-TOOTH DISEASE, AXONAL, AUTOSOMAL DOMINANT, TYPE 2V. Identifiers: Orphanet 447964, MedGen C5569050, MONDO:0014665, OMIM 616491.

Submission:

Labcorp Genetics (formerly Invitae), Labcorp
Classification: Uncertain significance for Charcot-Marie-Tooth disease axonal type 2V; Mucopolysaccharidosis, MPS-III-B. Last evaluated: 2020-06-22. Review status: criteria provided, single submitter. Criteria: Invitae Variant Classification Sherloc (09022015). Collection method: clinical testing. Allele origin: germline.
Comment: This sequence change replaces leucine with methionine at codon 93 of the NAGLU protein (p.Leu93Met). The leucine residue is moderately conserved and there is a small physicochemical difference between leucine and methionine. The frequency data for this variant in the population databases is considered unreliable, as metrics indicate insufficient coverage at this position in the ExAC database. In summary, the available evidence is currently insufficient to determine the role of this variant in disease. Therefore, it has been classified as a Variant of Uncertain Significance. Algorithms developed to predict the effect of missense changes on protein structure and function are either unavailable or do not agree on the potential impact of this missense change (SIFT: "Deleterious"; PolyPhen-2: "Possibly Damaging"; Align-GVGD: "Class C0"). This variant has not been reported in the literature in individuals with NAGLU-related conditions.